The following is an entry in ClinVar:

NM_001286577.2(C2CD3):c.5551C>T (p.Arg1851Cys)

Gene: C2CD3 (C2 domain containing 3 centriole elongation regulator; minus strand). Cytogenetic location: 11q13.4.
Variant type: single nucleotide variant.
Coding change: c.5551C>T on transcript NM_001286577.2 (MANE Select); coding-DNA position 5551, C replaced by T.
Protein change: p.Arg1851Cys; replaces arginine 1851 with cysteine.
Molecular consequence: missense variant.
Genome position (GRCh38, 1-based): chr11:74,042,163, G>A on the plus strand (C>T on the coding strand, the complement: C2CD3 is on the minus strand). VCF-style: chr11-74042163-G-A. GRCh37 (hg19) VCF-style: chr11-73753208-G-A.
Other names: c.5551C>T, p.Arg1851Cys (NM_015531.6); short protein forms R1851C.
Identifiers: ClinVar variation 1981495 (VCV001981495.1), dbSNP rs1232565234, ClinGen allele CA381825002.

ClinVar aggregate classification (germline): Uncertain significance (1 of 4 stars; one submission).

gnomAD v4.1: 11 of 1,611,464 alleles (0.00068%); highest among the groups gnomAD compares: African/African-American, 0.0027%; no homozygotes.

Submission:

Labcorp Genetics (formerly Invitae), Labcorp
Classification: Uncertain significance. Last evaluated: 2022-10-17. Review status: criteria provided, single submitter. Criteria: Invitae Variant Classification Sherloc (09022015). Collection method: clinical testing. Allele origin: germline.
Comment: This sequence change replaces arginine, which is basic and polar, with cysteine, which is neutral and slightly polar, at codon 1851 of the C2CD3 protein (p.Arg1851Cys). This variant is present in population databases (no rsID available, gnomAD 0.008%). This variant has not been reported in the literature in individuals affected with C2CD3-related conditions. Advanced modeling of protein sequence and biophysical properties (such as structural, functional, and spatial information, amino acid conservation, physicochemical variation, residue mobility, and thermodynamic stability) performed at Invitae indicates that this missense variant is expected to disrupt C2CD3 protein function. In summary, the available evidence is currently insufficient to determine the role of this variant in disease. Therefore, it has been classified as a Variant of Uncertain Significance.